The following is an entry in ClinVar:

ClinVar aggregate classification (germline): Benign. Review status: criteria provided, multiple submitters, no conflicts (2 of 4 stars). 2 submissions from 2 submitters: Benign (2). Last evaluated 2018-01-13.

Conditions:
Familial infantile myoclonic epilepsy (FIME). Also called: TBC1D24-Related Familial Infantile Myoclonic Epilepsy (FIME); Epilepsy, Myoclonic, Infantile. Identifiers: Orphanet 352582, MedGen C0917800, MONDO:0011506, OMIM 605021.

Allele frequency attached by ClinVar (database versions not stated): 1000 Genomes Project 0.04752; 1000 Genomes Project 30x 0.04825; gnomAD 0.04830 and 0.04486; TOPMed 0.05215.

Submissions (2):

Illumina Laboratory Services, Illumina
Classification: Benign for Familial infantile myoclonic epilepsy. Last evaluated: 2018-01-13. Review status: criteria provided, single submitter. Criteria: ICSL Variant Classification Criteria 13 December 2019. Collection method: clinical testing. Allele origin: germline.
Comment: This variant was observed in the ICSL laboratory as part of a predisposition screen in an ostensibly healthy population. It had not been previously curated by ICSL or reported in the Human Gene Mutation Database (HGMD: prior to June 1st, 2018), and was therefore a candidate for classification through an automated scoring system. Utilizing variant allele frequency, disease prevalence and penetrance estimates, and inheritance mode, an automated score was calculated to assess if this variant is too frequent to cause the disease. Based on the score and internal cut-off values, a variant classified as benign is not then subjected to further curation. The score for this variant resulted in a classification of benign for this disease.

Breakthrough Genomics
Classification: Benign. Review status: criteria provided, single submitter. Criteria: ACMG Guidelines, 2015. Collection method: not provided. Allele origin: germline. Inheritance: Autosomal recessive inheritance. Affected: yes.

NM_001199107.2(TBC1D24):c.*3715C>T

Gene: TBC1D24 (TBC1 domain family member 24; plus strand). Cytogenetic location: 16p13.3.
Variant type: single nucleotide variant.
Coding change: c.*3715C>T on transcript NM_001199107.2 (MANE Select); 3715 bases downstream of the stop codon, C replaced by T.
Molecular consequence: 3 prime UTR variant.
Genome position (GRCh38, 1-based): chr16:2,504,673, C>T. VCF-style: chr16-2504673-C-T. GRCh37 (hg19) VCF-style: chr16-2554674-C-T.
Other names: c.*3715C>T (NM_020705.3).
Identifiers: ClinVar variation 318693 (VCV000318693.6), dbSNP rs55778555, ClinGen allele CA10643330.